The following is an entry in ClinVar:

ClinVar aggregate classification (germline): Likely benign. Review status: criteria provided, single submitter (1 of 4 stars). 2 submissions from 2 submitters: Likely benign (1). 1 of the submissions does not count toward it. Last evaluated 2024-02-08.

Conditions:
ADGRG1-related disorder. Also called: ADGRG1-related condition.

Allele frequency attached by ClinVar (database versions not stated): gnomAD 0.00001; gnomAD exomes 0.00001 and 0.00003; ExAC 0.00006.
gnomAD v4.1: 21 of 1,613,812 alleles (0.0013%); highest among the groups gnomAD compares: South Asian, 0.021%; 1 homozygote.

Submissions (2):

Labcorp Genetics (formerly Invitae), Labcorp
Classification: Likely benign. Last evaluated: 2024-02-08. Review status: criteria provided, single submitter. Criteria: Invitae Variant Classification Sherloc (09022015). Collection method: clinical testing. Allele origin: germline.

PreventionGenetics, part of Exact Sciences
Classification: Likely benign for ADGRG1-related condition. Last evaluated: 2019-06-27. Review status: no assertion criteria provided. Collection method: clinical testing. Allele origin: germline. Not counted in ClinVar's aggregate classification.
Comment: This variant is classified as likely benign based on ACMG/AMP sequence variant interpretation guidelines (Richards et al. 2015 PMID: 25741868, with internal and published modifications).

NM_201525.4(ADGRG1):c.1344C>T (p.Phe448=)

Gene: ADGRG1 (adhesion G protein-coupled receptor G1; plus strand). Cytogenetic location: 16q21.
Variant type: single nucleotide variant.
Coding change: c.1344C>T on transcript NM_201525.4 (MANE Select); coding-DNA position 1344, C replaced by T.
Protein change: p.Phe448=; no amino-acid change (phenylalanine 448 retained).
Molecular consequence: synonymous variant.
Genome position (GRCh38, 1-based): chr16:57,659,470, C>T. VCF-style: chr16-57659470-C-T. GRCh37 (hg19) VCF-style: chr16-57693382-C-T.
Other names: c.1344C>T, p.Phe448= (NM_001145770.3, NM_001145772.3, NM_001145774.3 and 7 more transcripts); c.1362C>T, p.Phe454= (NM_001145771.3, NM_001370428.1, NM_001370429.1 and 4 more transcripts); c.1359C>T, p.Phe453= (NM_001145773.3, NM_001370433.1, NM_001370434.1); c.852C>T, p.Phe284= (NM_001290142.2); c.837C>T, p.Phe279= (NM_001290143.2); c.819C>T, p.Phe273= (NM_001290144.2, NM_001370451.1, NM_001370453.1 and 1 more transcripts); c.1341C>T, p.Phe447= (NM_001370441.1); c.1188C>T, p.Phe396= (NM_001370442.1); and 1 more.
Identifiers: ClinVar variation 1141745 (VCV001141745.11), dbSNP rs757767945, ClinGen allele CA8078739.